The following is an entry in ClinVar:

ClinVar aggregate classification (germline): Likely benign. Review status: criteria provided, multiple submitters, no conflicts (2 of 4 stars). 2 submissions from 2 submitters: Likely benign (2). Last evaluated 2023-10-06.

Allele frequency attached by ClinVar (database versions not stated): TOPMed 0.00002; gnomAD 0.00003; gnomAD exomes 0.00003; ExAC 0.00004.
gnomAD v4.1: 52 of 1,613,858 alleles (0.0032%); highest among the groups gnomAD compares: East Asian, 0.0045%; no homozygotes.

Submissions (2):

Labcorp Genetics (formerly Invitae), Labcorp
Classification: Likely benign. Last evaluated: 2023-10-06. Review status: criteria provided, single submitter. Criteria: Invitae Variant Classification Sherloc (09022015). Collection method: clinical testing. Allele origin: germline.

CeGaT Center for Human Genetics Tuebingen
Classification: Likely benign. Last evaluated: 2023-10-01. Review status: criteria provided, single submitter. Criteria: CeGaT Center For Human Genetics Tuebingen Variant Classification Criteria Version 2. Collection method: clinical testing. Allele origin: germline. Affected: yes. Observed: 1 variant allele.
Comment: MYO15A: BP4, BP7

NM_016239.4(MYO15A):c.3840C>T (p.Asn1280=)

Gene: MYO15A (myosin XVA; plus strand). Cytogenetic location: 17p11.2.
Variant type: single nucleotide variant.
Coding change: c.3840C>T on transcript NM_016239.4 (MANE Select); coding-DNA position 3840, C replaced by T.
Protein change: p.Asn1280=; no amino-acid change (asparagine 1280 retained).
Molecular consequence: synonymous variant.
Genome position (GRCh38, 1-based): chr17:18,126,430, C>T. VCF-style: chr17-18126430-C-T. GRCh37 (hg19) VCF-style: chr17-18029744-C-T.
Identifiers: ClinVar variation 2647542 (VCV002647542.27), dbSNP rs567728989, ClinGen allele CA8423598.